The following is an entry in ClinVar:

NM_032638.5(GATA2):c.65C>G (p.Pro22Arg)

Gene: GATA2 (GATA binding protein 2; minus strand). Cytogenetic location: 3q21.3.
Variant type: single nucleotide variant.
Coding change: c.65C>G on transcript NM_032638.5 (MANE Select); coding-DNA position 65, C replaced by G.
Protein change: p.Pro22Arg; replaces proline 22 with arginine.
Molecular consequence: missense variant.
Genome position (GRCh38, 1-based): chr3:128,486,967, G>C on the plus strand (C>G on the coding strand, the complement: GATA2 is on the minus strand). VCF-style: chr3-128486967-G-C. GRCh37 (hg19) VCF-style: chr3-128205810-G-C.
Other names: c.65C>G, p.Pro22Arg (NM_001145661.2, NM_001145662.1); short protein forms P22R.
Identifiers: ClinVar variation 472463 (VCV000472463.10), dbSNP rs1430054108, ClinGen allele CA354409083.
Genomic context (GRCh38, chr3:128,486,967, plus strand): 5'-GGAGGCAGCAGCTGCGCGGGTTCCATGTAGTTGTGCGCCAGGCCCGGGTGGTGTGAGTCG[G>C]GGTGCTGCGCATTCAGCACGGCCGGGTGCGCCATCCAGCGCGGCTGCTCGGGCGCCACCT-3'
Protein context (NP_116027.2, residues 12-32): AHPAVLNAQH[Pro22Arg]DSHHPGLAHN

ClinVar aggregate classification (germline): Uncertain significance (1 of 4 stars; one submission).

Conditions:
Monocytopenia with susceptibility to infections. Also called: MONOCYTOPENIA AND MYCOBACTERIAL INFECTION SYNDROME; MONOCYTOPENIA WITH SUSCEPTIBILITY TO MYCOBACTERIAL, FUNGAL, AND PAPILLOMAVIRUS INFECTIONS AND MYELODYSPLASIA; COMBINED IMMUNODEFICIENCY WITH SUSCEPTIBILITY TO MYCOBACTERIAL, VIRAL, AND FUNGAL INFECTIONS; Dendritic cell, monocyte, B lymphocyte, and natural killer lymphocyte deficiency; IMMUNODEFICIENCY 21; GATA2 DEFICIENCY. Identifiers: Orphanet 228423, MedGen C3280030, MONDO:0013607, OMIM 614172.
Deafness-lymphedema-leukemia syndrome. Also called: Lymphedema, primary, with myelodysplasia; Emberger syndrome. Identifiers: Orphanet 3226, MedGen C3279664, MONDO:0013540, OMIM 614038.

gnomAD v4.1: 2 of 1,611,726 alleles (0.00012%); highest among the groups gnomAD compares: Non-Finnish European, 0.00017%; no homozygotes.

Submission:

Labcorp Genetics (formerly Invitae), Labcorp
Classification: Uncertain significance for Monocytopenia with susceptibility to infections; Deafness-lymphedema-leukemia syndrome. Last evaluated: 2022-01-23. Review status: criteria provided, single submitter. Criteria: Invitae Variant Classification Sherloc (09022015). Collection method: clinical testing. Allele origin: germline.
Comment: Algorithms developed to predict the effect of missense changes on protein structure and function are either unavailable or do not agree on the potential impact of this missense change (SIFT: "Tolerated"; PolyPhen-2: "Probably Damaging"; Align-GVGD: "Class C0"). ClinVar contains an entry for this variant (Variation ID: 472463). This variant has not been reported in the literature in individuals affected with GATA2-related conditions. This variant is not present in population databases (gnomAD no frequency). This sequence change replaces proline, which is neutral and non-polar, with arginine, which is basic and polar, at codon 22 of the GATA2 protein (p.Pro22Arg). In summary, the available evidence is currently insufficient to determine the role of this variant in disease. Therefore, it has been classified as a Variant of Uncertain Significance.